The following is an entry in ClinVar:

NM_144670.6(A2ML1):c.1978A>T (p.Ile660Phe)

Gene: A2ML1 (alpha-2-macroglobulin like 1; plus strand). Cytogenetic location: 12p13.31.
Variant type: single nucleotide variant.
Coding change: c.1978A>T on transcript NM_144670.6 (MANE Select); coding-DNA position 1978, A replaced by T.
Protein change: p.Ile660Phe; replaces isoleucine 660 with phenylalanine.
Molecular consequence: missense variant.
Genome position (GRCh38, 1-based): chr12:8,848,864, A>T. VCF-style: chr12-8848864-A-T. GRCh37 (hg19) VCF-style: chr12-9001460-A-T.
Other names: c.505A>T, p.Ile169Phe (NM_001282424.3); c.1978A>T (NM_144670.3); short protein forms I660F, I169F.
Identifiers: ClinVar variation 2099708 (VCV002099708.6), dbSNP rs752313895, ClinGen allele CA6435854.

ClinVar aggregate classification (germline): Uncertain significance. Review status: criteria provided, multiple submitters, no conflicts (2 of 4 stars). 2 submissions from 2 submitters: Uncertain significance (2). Last evaluated 2023-02-03.

Allele frequency attached by ClinVar (database versions not stated): gnomAD exomes below 0.00001; TOPMed below 0.00001; ExAC 0.00001.
gnomAD v4.1: 1 of 1,614,112 alleles (0.000062%); no homozygotes.

Submissions (2):

Ambry Genetics
Classification: Uncertain significance. Last evaluated: 2023-02-03. Review status: criteria provided, single submitter. Criteria: Ambry Variant Classification Scheme 2023. Collection method: clinical testing. Allele origin: germline.
Comment: The p.I660F variant (also known as c.1978A>T), located in coding exon 16 of the A2ML1 gene, results from an A to T substitution at nucleotide position 1978. The isoleucine at codon 660 is replaced by phenylalanine, an amino acid with highly similar properties. This amino acid position is conserved. In addition, this alteration is predicted to be tolerated by in silico analysis. Since supporting evidence is limited at this time, the clinical significance of this alteration remains unclear.

Labcorp Genetics (formerly Invitae), Labcorp
Classification: Uncertain significance. Last evaluated: 2022-02-19. Review status: criteria provided, single submitter. Criteria: Invitae Variant Classification Sherloc (09022015). Collection method: clinical testing. Allele origin: germline.
Comment: In summary, the available evidence is currently insufficient to determine the role of this variant in disease. Therefore, it has been classified as a Variant of Uncertain Significance. Algorithms developed to predict the effect of missense changes on protein structure and function output the following: SIFT: "Tolerated"; PolyPhen-2: "Benign"; Align-GVGD: "Class C0". The phenylalanine amino acid residue is found in multiple mammalian species, which suggests that this missense change does not adversely affect protein function. This variant has not been reported in the literature in individuals affected with A2ML1-related conditions. This variant is present in population databases (rs752313895, gnomAD 0.004%). This sequence change replaces isoleucine, which is neutral and non-polar, with phenylalanine, which is neutral and non-polar, at codon 660 of the A2ML1 protein (p.Ile660Phe).